The following is an entry in ClinVar:

ClinVar aggregate classification (germline): Uncertain significance. Review status: criteria provided, multiple submitters, no conflicts (2 of 4 stars). 2 submissions from 2 submitters: Uncertain significance (2). Last evaluated 2023-08-10.

Conditions:
Autoimmune lymphoproliferative syndrome type 2A (ALPS2A). Also called: Autoimmune lymphoproliferative syndrome type 2; CASP10-Related Autoimmune Lymphoproliferative Syndrome; AUTOIMMUNE LYMPHOPROLIFERATIVE SYNDROME, TYPE IIA. Identifiers: Orphanet 3261, MedGen C1858968, MONDO:0011383, OMIM 603909.
CASP10-related disorder. Also called: CASP10-related condition.

Allele frequency attached by ClinVar (database versions not stated): gnomAD 0.00001; gnomAD exomes 0.00001.

Submissions (2):

Labcorp Genetics (formerly Invitae), Labcorp
Classification: Uncertain significance for Autoimmune lymphoproliferative syndrome type 2A. Last evaluated: 2023-08-10. Review status: criteria provided, single submitter. Criteria: Invitae Variant Classification Sherloc (09022015). Collection method: clinical testing. Allele origin: germline.
Comment: In summary, the available evidence is currently insufficient to determine the role of this variant in disease. Therefore, it has been classified as a Variant of Uncertain Significance. Advanced modeling of protein sequence and biophysical properties (such as structural, functional, and spatial information, amino acid conservation, physicochemical variation, residue mobility, and thermodynamic stability) has been performed at Invitae for this missense variant, however the output from this modeling did not meet the statistical confidence thresholds required to predict the impact of this variant on CASP10 protein function. ClinVar contains an entry for this variant (Variation ID: 961874). This variant has not been reported in the literature in individuals affected with CASP10-related conditions. The frequency data for this variant in the population databases is considered unreliable, as metrics indicate poor data quality at this position in the gnomAD database. This sequence change replaces arginine, which is basic and polar, with tryptophan, which is neutral and slightly polar, at codon 280 of the CASP10 protein (p.Arg280Trp).

PreventionGenetics, part of Exact Sciences
Classification: Uncertain significance for CASP10-related condition. Last evaluated: 2022-12-01. Review status: criteria provided, single submitter. Criteria: ACMG Guidelines, 2015. Collection method: clinical testing. Allele origin: germline.
Comment: The CASP10 c.838C>T variant is predicted to result in the amino acid substitution p.Arg280Trp. To our knowledge, this variant has not been reported in the literature. This variant is reported in 0.0040% of alleles in individuals of African descent in gnomAD. At this time, the clinical significance of this variant is uncertain due to the absence of conclusive functional and genetic evidence.

NM_032977.4(CASP10):c.838C>T (p.Arg280Trp)

Gene: CASP10 (caspase 10; plus strand). Cytogenetic location: 2q33.1.
Variant type: single nucleotide variant.
Coding change: c.838C>T on transcript NM_032977.4 (MANE Select); coding-DNA position 838, C replaced by T.
Protein change: p.Arg280Trp; replaces arginine 280 with tryptophan.
Molecular consequence: missense variant. On other transcripts: intron variant (1).
Genome position (GRCh38, 1-based): chr2:201,208,099, C>T. VCF-style: chr2-201208099-C-T. GRCh37 (hg19) VCF-style: chr2-202072822-C-T.
Other names: c.838C>T, p.Arg280Trp (NM_032974.5); c.746C>T, p.Ser249Leu (NM_032976.4); c.722-971C>T (NM_001206524.2); c.709C>T, p.Arg237Trp (NM_001206542.2, NM_001230.5); short protein forms S249L, R280W, R237W.
Identifiers: ClinVar variation 961874 (VCV000961874.12), dbSNP rs1351292534, ClinGen allele CA350286131.
Genomic context (GRCh38, chr2:201,208,099, plus strand): 5'-AGGATTCCTACTAAGTGGCTCTATCTATTCTTCAAGAGGGCAGCTGTGTACAGGATGAAT[C>T]GGAACCACAGAGGCCTCTGTGTCATTGTCAACAACCACAGCTTTACCTCCCTGAAGGACA-3'
Protein context (NP_116759.2, residues 270-290): TKRAAVYRMN[Arg280Trp]NHRGLCVIVN